The following is an entry in ClinVar:

NM_000170.3(GLDC):c.983G>A (p.Gly328Glu)

Gene: GLDC (glycine decarboxylase; minus strand). Cytogenetic location: 9p24.1.
Variant type: single nucleotide variant.
Coding change: c.983G>A on transcript NM_000170.3 (MANE Select); coding-DNA position 983, G replaced by A.
Protein change: p.Gly328Glu; replaces glycine 328 with glutamic acid.
Molecular consequence: missense variant.
Genome position (GRCh38, 1-based): chr9:6,604,663, C>T on the plus strand (G>A on the coding strand, the complement: GLDC is on the minus strand). VCF-style: chr9-6604663-C-T. GRCh37 (hg19) VCF-style: chr9-6604663-C-T.
Other names: short protein forms G328E.
Identifiers: ClinVar variation 2087245 (VCV002087245.3), dbSNP rs2489103024, ClinGen allele CA372895554.

ClinVar aggregate classification (germline): Uncertain significance. Review status: criteria provided, multiple submitters, no conflicts (2 of 4 stars). 2 submissions from 2 submitters: Uncertain significance (2). Last evaluated 2025-01-10.

Conditions:
Glycine encephalopathy. Also called: Nonketotic hyperglycinemia; Non-ketotic hyperglycinemia. Identifiers: Orphanet 407, MedGen C0751748, MONDO:0011612, HP:0008288.

Allele frequency attached by ClinVar (database versions not stated): gnomAD exomes below 0.00001.
gnomAD v4.1: 1 of 1,614,004 alleles (0.000062%); highest among the groups gnomAD compares: Non-Finnish European, 0.000085%; no homozygotes.

Submissions (2):

GeneDx
Classification: Uncertain significance. Last evaluated: 2025-01-10. Review status: criteria provided, single submitter. Criteria: GeneDx Variant Classification Process June 2021. Collection method: clinical testing. Allele origin: germline. Affected: yes.
Comment: Not observed at significant frequency in large population cohorts (gnomAD); In silico analysis supports that this missense variant has a deleterious effect on protein structure/function; Has not been previously published as pathogenic or benign to our knowledge

Labcorp Genetics (formerly Invitae), Labcorp
Classification: Uncertain significance for Glycine encephalopathy. Last evaluated: 2022-08-16. Review status: criteria provided, single submitter. Criteria: Invitae Variant Classification Sherloc (09022015). Collection method: clinical testing. Allele origin: germline.
Comment: In summary, the available evidence is currently insufficient to determine the role of this variant in disease. Therefore, it has been classified as a Variant of Uncertain Significance. Advanced modeling of protein sequence and biophysical properties (such as structural, functional, and spatial information, amino acid conservation, physicochemical variation, residue mobility, and thermodynamic stability) performed at Invitae indicates that this missense variant is expected to disrupt GLDC protein function. This variant has not been reported in the literature in individuals affected with GLDC-related conditions. This variant is not present in population databases (gnomAD no frequency). This sequence change replaces glycine, which is neutral and non-polar, with glutamic acid, which is acidic and polar, at codon 328 of the GLDC protein (p.Gly328Glu).